The following is an entry in ClinVar:

ClinVar aggregate classification (germline): Uncertain significance (1 of 4 stars; one submission).

Submission:

GeneDx
Classification: Uncertain significance. Last evaluated: 2022-08-25. Review status: criteria provided, single submitter. Criteria: GeneDx Variant Classification Process June 2021. Collection method: clinical testing. Allele origin: germline. Affected: yes.
Comment: Not observed at significant frequency in large population cohorts (gnomAD); In silico analysis supports that this missense variant does not alter protein structure/function; Has not been previously published as pathogenic or benign to our knowledge

NM_003931.3(WASF1):c.1331C>T (p.Thr444Ile)

Gene: WASF1 (WASP family member 1; minus strand). Cytogenetic location: 6q21.
Variant type: single nucleotide variant.
Coding change: c.1331C>T on transcript NM_003931.3 (MANE Select); coding-DNA position 1331, C replaced by T.
Protein change: p.Thr444Ile; replaces threonine 444 with isoleucine.
Molecular consequence: missense variant.
Genome position (GRCh38, 1-based): chr6:110,101,779, G>A on the plus strand (C>T on the coding strand, the complement: WASF1 is on the minus strand). VCF-style: chr6-110101779-G-A. GRCh37 (hg19) VCF-style: chr6-110422982-G-A.
Other names: c.1331C>T, p.Thr444Ile (NM_001024934.2, NM_001024935.2, NM_001024936.2); short protein forms T444I.
Identifiers: ClinVar variation 2430797 (VCV002430797.1), dbSNP rs2534211650, ClinGen allele CA365347817.